The following is an entry in ClinVar:

NM_005732.4(RAD50):c.3201A>G (p.Ile1067Met)

Gene: RAD50 (RAD50 double strand break repair protein; plus strand). Cytogenetic location: 5q31.1.
Variant type: single nucleotide variant.
Coding change: c.3201A>G on transcript NM_005732.4 (MANE Select); coding-DNA position 3201, A replaced by G.
Protein change: p.Ile1067Met; replaces isoleucine 1067 with methionine.
Molecular consequence: missense variant.
Genome position (GRCh38, 1-based): chr5:132,618,106, A>G. VCF-style: chr5-132618106-A-G. GRCh37 (hg19) VCF-style: chr5-131953798-A-G.
Other names: short protein forms I1067M.
Identifiers: ClinVar variation 1440385 (VCV001440385.8), dbSNP rs1252792978, ClinGen allele CA360964312.

ClinVar aggregate classification (germline): Uncertain significance. Review status: criteria provided, multiple submitters, no conflicts (2 of 4 stars). 2 submissions from 2 submitters: Uncertain significance (2). Last evaluated 2022-12-31.

Conditions:
Hereditary cancer-predisposing syndrome. Also called: Neoplastic Syndromes, Hereditary; Hereditary Cancer Syndrome; Hereditary neoplastic syndrome; Tumor predisposition. Identifiers: Orphanet 140162, MedGen C0027672, MeSH D009386, MONDO:0015356.

gnomAD v4.1: 1 of 1,613,642 alleles (0.000062%); no homozygotes.

Submissions (2):

Labcorp Genetics (formerly Invitae), Labcorp
Classification: Uncertain significance for Hereditary cancer-predisposing syndrome. Last evaluated: 2022-12-31. Review status: criteria provided, single submitter. Criteria: Invitae Variant Classification Sherloc (09022015). Collection method: clinical testing. Allele origin: germline.
Comment: Advanced modeling of protein sequence and biophysical properties (such as structural, functional, and spatial information, amino acid conservation, physicochemical variation, residue mobility, and thermodynamic stability) performed at Invitae indicates that this missense variant is not expected to disrupt RAD50 protein function. In summary, the available evidence is currently insufficient to determine the role of this variant in disease. Therefore, it has been classified as a Variant of Uncertain Significance. ClinVar contains an entry for this variant (Variation ID: 1440385). This variant has not been reported in the literature in individuals affected with RAD50-related conditions. This variant is not present in population databases (gnomAD no frequency). This sequence change replaces isoleucine, which is neutral and non-polar, with methionine, which is neutral and non-polar, at codon 1067 of the RAD50 protein (p.Ile1067Met).

Ambry Genetics
Classification: Uncertain significance for Hereditary cancer-predisposing syndrome. Last evaluated: 2015-10-22. Review status: criteria provided, single submitter. Criteria: Ambry Variant Classification Scheme 2023. Collection method: clinical testing. Allele origin: germline.
Comment: The p.I1067M variant (also known as c.3201A>G), located in coding exon 21 of the RAD50 gene, results from an A to G substitution at nucleotide position 3201. The isoleucine at codon 1067 is replaced by methionine, an amino acid with highly similar properties. This variant was not reported in population based cohorts in the following databases: Database of Single Nucleotide Polymorphisms (dbSNP), NHLBI Exome Sequencing Project (ESP), and 1000 Genomes Project. In the ESP, this variant was not observed in 6502 samples (13004 alleles) with coverage at this position. To date, this alteration has been detected with an allele frequency of approximately 0.002% (greater than 65000 alleles tested) in our clinical cohort. This amino acid position is not well conserved in available vertebrate species. In addition, this alteration is predicted to be tolerated by in silico analysis. Since supporting evidence is limited at this time, the clinical significance of p.I1067M remains unclear.